The following is an entry in ClinVar:

NM_016507.4(CDK12):c.3965C>G (p.Ala1322Gly)

Gene: CDK12 (cyclin dependent kinase 12; plus strand). Cytogenetic location: 17q12.
Variant type: single nucleotide variant.
Coding change: c.3965C>G on transcript NM_016507.4 (MANE Select); coding-DNA position 3965, C replaced by G.
Protein change: p.Ala1322Gly; replaces alanine 1322 with glycine.
Molecular consequence: missense variant.
Genome position (GRCh38, 1-based): chr17:39,530,808, C>G. VCF-style: chr17-39530808-C-G. GRCh37 (hg19) VCF-style: chr17-37687061-C-G.
Other names: c.3938C>G, p.Ala1313Gly (NM_015083.4); short protein forms A1313G, A1322G.
Identifiers: ClinVar variation 3999542 (VCV003999542.1).
Genomic context (GRCh38, chr17:39,530,808, plus strand): 5'-TGCAACTTTTATCCCAGCCTGAAGCAGAGCCTCCTGGCCACCTGCCACATGAGCACCAGG[C>G]CTTGAGACCAATGGAGTACTCCACCCGACCCCGTCCAAACAGGACTTATGGAAACACTGA-3'
Protein context (NP_057591.2, residues 1312-1332): PPGHLPHEHQ[Ala1322Gly]LRPMEYSTRP

ClinVar aggregate classification (germline): Uncertain significance (1 of 4 stars; one submission).

gnomAD v4.1: 3 of 1,614,172 alleles (0.00019%); highest among the groups gnomAD compares: Non-Finnish European, 0.00025%; no homozygotes.

Submission:

Ambry Genetics
Classification: Uncertain significance. Last evaluated: 2025-06-08. Review status: criteria provided, single submitter. Criteria: Ambry Variant Classification Scheme 2023. Collection method: clinical testing. Allele origin: germline.
Comment: The p.A1322G variant (also known as c.3965C>G), located in coding exon 14 of the CDK12 gene, results from a C to G substitution at nucleotide position 3965. The alanine at codon 1322 is replaced by glycine, an amino acid with similar properties. This amino acid position is conserved. In addition, this alteration is predicted to be tolerated by in silico analysis. Based on the available evidence, the clinical significance of this variant remains unclear.